The following is an entry in ClinVar:

ClinVar aggregate classification (germline): Pathogenic (1 of 4 stars; one submission).

Conditions:
Arrhythmogenic cardiomyopathy with wooly hair and keratoderma. Also called: Dilated cardiomyopathy with woolly hair and keratoderma; PALMOPLANTAR KERATODERMA WITH LEFT VENTRICULAR CARDIOMYOPATHY AND WOOLLY HAIR; Carvajal syndrome; Arrhythmogenic cardiomyopathy with woolly hair and keratoderma. Identifiers: Orphanet 65282, MedGen C1854063, MONDO:0011581, OMIM 605676.
Arrhythmogenic right ventricular dysplasia 8 (ARVD8). Also called: Arrhythmogenic Right Ventricular Dysplasia/Cardiomyopathy 8; ARRHYTHMOGENIC RIGHT VENTRICULAR DYSPLASIA, FAMILIAL, 8; ARRHYTHMOGENIC RIGHT VENTRICULAR CARDIOMYOPATHY 8. Identifiers: MedGen C1843896, MONDO:0011831, OMIM 607450.

Submission:

Labcorp Genetics (formerly Invitae), Labcorp
Classification: Pathogenic for Arrhythmogenic cardiomyopathy with wooly hair and keratoderma; Arrhythmogenic right ventricular dysplasia 8. Last evaluated: 2023-04-21. Review status: criteria provided, single submitter. Criteria: Invitae Variant Classification Sherloc (09022015). Collection method: clinical testing. Allele origin: germline.
Comment: This sequence change creates a premature translational stop signal (p.Ser2202*) in the DSP gene. While this is not anticipated to result in nonsense mediated decay, it is expected to disrupt the last 670 amino acid(s) of the DSP protein. For these reasons, this variant has been classified as Pathogenic. This variant disrupts a region of the DSP protein in which other variant(s) (p.Glu2728Glyfs*11) have been determined to be pathogenic (Invitae). This suggests that this is a clinically significant region of the protein, and that variants that disrupt it are likely to be disease-causing. This variant has not been reported in the literature in individuals affected with DSP-related conditions. This variant is present in population databases (no rsID available, gnomAD 0.006%).

NM_004415.4(DSP):c.6605del (p.Leu2201_Ser2202insTer)

Gene: DSP (desmoplakin; plus strand). Cytogenetic location: 6p24.3.
Variant type: Deletion.
Coding change: c.6605del on transcript NM_004415.4 (MANE Select); coding-DNA position 6605, one base deleted (C; older notation c.6605delC).
Protein change: p.Leu2201_Ser2202insTer.
Molecular consequence: nonsense.
Genome position (GRCh38, 1-based): chr6:7,583,867, C deleted. VCF-style (leftmost placement, unchanged base first): chr6-7583866-TC-T. GRCh37 (hg19) VCF-style: chr6-7584099-TC-T.
Other names: c.4808del, p.Leu1602_Ser1603insTer (NM_001008844.3); c.5276del, p.Leu1758_Ser1759insTer (NM_001319034.2).
Identifiers: ClinVar variation 2946970 (VCV002946970.3), dbSNP rs1209824182, ClinGen allele CA565358194.
Genomic context (GRCh38, chr6:7,583,866, plus strand): 5'-AGTTACGTGCAGCTGAAGGAACGGTGCAGAATCGAACCACATACTGGTCTGCTCTTGCTT[TC>T]AGTACAGAAGAGAAGCATGTCCTTCCAAGGAATCAGACAACCTGTGACCGTCACTGAGCT-3'